The following is an entry in ClinVar:

NM_006918.5(SC5D):c.599T>C (p.Leu200Ser)

Gene: SC5D (sterol-C5-desaturase; plus strand). Cytogenetic location: 11q24.1.
Variant type: single nucleotide variant.
Coding change: c.599T>C on transcript NM_006918.5 (MANE Select); coding-DNA position 599, T replaced by C.
Protein change: p.Leu200Ser; replaces leucine 200 with serine.
Molecular consequence: missense variant.
Genome position (GRCh38, 1-based): chr11:121,307,211, T>C. VCF-style: chr11-121307211-T-C. GRCh37 (hg19) VCF-style: chr11-121177920-T-C.
Other names: c.599T>C, p.Leu200Ser (NM_001024956.3); short protein forms L200S.
Identifiers: ClinVar variation 1897409 (VCV001897409.2), dbSNP rs144254550, ClinGen allele CA6328201.

ClinVar aggregate classification (germline): Uncertain significance (1 of 4 stars; one submission).

Allele frequency attached by ClinVar (database versions not stated): gnomAD exomes 0.00001; ExAC 0.00002; gnomAD 0.00005; TOPMed 0.00007; ESP Exome Variant Server 0.00023.
gnomAD v4.1: 10 of 1,614,096 alleles (0.00062%); highest among the groups gnomAD compares: African/African-American, 0.012%; no homozygotes.

Submission:

Labcorp Genetics (formerly Invitae), Labcorp
Classification: Uncertain significance. Last evaluated: 2022-08-09. Review status: criteria provided, single submitter. Criteria: Invitae Variant Classification Sherloc (09022015). Collection method: clinical testing. Allele origin: germline.
Comment: This sequence change replaces leucine, which is neutral and non-polar, with serine, which is neutral and polar, at codon 200 of the SC5D protein (p.Leu200Ser). This variant is present in population databases (rs144254550, gnomAD 0.02%). This variant has not been reported in the literature in individuals affected with SC5D-related conditions. Algorithms developed to predict the effect of missense changes on protein structure and function (SIFT, PolyPhen-2, Align-GVGD) all suggest that this variant is likely to be disruptive. In summary, the available evidence is currently insufficient to determine the role of this variant in disease. Therefore, it has been classified as a Variant of Uncertain Significance.